The following is an entry in ClinVar:

NM_000548.5(TSC2):c.4848A>G (p.Gln1616=)

Gene: TSC2 (TSC complex subunit 2; plus strand). Cytogenetic location: 16p13.3.
Variant type: single nucleotide variant.
Coding change: c.4848A>G on transcript NM_000548.5 (MANE Select); coding-DNA position 4848, A replaced by G.
Protein change: p.Gln1616=; no amino-acid change (glutamine 1616 retained).
Molecular consequence: synonymous variant.
Genome position (GRCh38, 1-based): chr16:2,086,378, A>G. VCF-style: chr16-2086378-A-G. GRCh37 (hg19) VCF-style: chr16-2136379-A-G.
Other names: c.4848A>G (NM_000548.3); c.4647A>G, p.Gln1549= (NM_001077183.3); c.4779A>G, p.Gln1593= (NM_001114382.3); c.4539A>G, p.Gln1513= (NM_001318827.2); c.4503A>G, p.Gln1501= (NM_001318829.2); c.4116A>G, p.Gln1372= (NM_001318831.2); c.4680A>G, p.Gln1560= (NM_001318832.2); c.4650A>G, p.Gln1550= (NM_001363528.2); and 2 more.
Identifiers: ClinVar variation 1429204 (VCV001429204.5), dbSNP rs762819541, ClinGen allele CA052718.

ClinVar aggregate classification (germline): Conflicting classifications of pathogenicity. Review status: criteria provided, conflicting classifications (1 of 4 stars). 2 submissions from 2 submitters: Uncertain significance (1); Likely benign (1). Last evaluated 2024-10-17.

Conditions:
Hereditary cancer-predisposing syndrome. Also called: Hereditary neoplastic syndrome; Tumor predisposition; Hereditary Cancer Syndrome; Neoplastic Syndromes, Hereditary. Identifiers: Orphanet 140162, MedGen C0027672, MeSH D009386, MONDO:0015356.
Tuberous sclerosis 2 (TSC2). Identifiers: Orphanet 805, MedGen C1860707, MONDO:0013199, OMIM 613254.

Allele frequency attached by ClinVar (database versions not stated): gnomAD exomes 0.00001; ExAC 0.00002.
gnomAD v4.1: 4 of 1,612,382 alleles (0.00025%); highest among the groups gnomAD compares: Non-Finnish European, 0.00034%; no homozygotes.

Submissions (2):

Labcorp Genetics (formerly Invitae), Labcorp
Classification: Uncertain significance for Tuberous sclerosis 2. Last evaluated: 2024-10-17. Review status: criteria provided, single submitter. Criteria: Invitae Variant Classification Sherloc (09022015). Collection method: clinical testing. Allele origin: germline.
Comment: This sequence change affects codon 1616 of the TSC2 mRNA. It is a 'silent' change, meaning that it does not change the encoded amino acid sequence of the TSC2 protein. It affects a nucleotide within the consensus splice site. This variant is present in population databases (rs762819541, gnomAD 0.002%). This variant has not been reported in the literature in individuals affected with TSC2-related conditions. ClinVar contains an entry for this variant (Variation ID: 1429204). Algorithms developed to predict the effect of sequence changes on RNA splicing suggest that this variant is not likely to affect RNA splicing. In summary, the available evidence is currently insufficient to determine the role of this variant in disease. Therefore, it has been classified as a Variant of Uncertain Significance.

Ambry Genetics
Classification: Likely benign for Hereditary cancer-predisposing syndrome. Last evaluated: 2024-03-03. Review status: criteria provided, single submitter. Criteria: Ambry Variant Classification Scheme 2023. Collection method: clinical testing. Allele origin: germline.